The following is an entry in ClinVar:

NM_014780.5(CUL7):c.121C>T (p.Arg41Cys)

Gene: CUL7 (cullin 7; minus strand). Cytogenetic location: 6p21.1.
Variant type: single nucleotide variant.
Coding change: c.121C>T on transcript NM_014780.5 (MANE Select); coding-DNA position 121, C replaced by T.
Protein change: p.Arg41Cys; replaces arginine 41 with cysteine.
Molecular consequence: missense variant.
Genome position (GRCh38, 1-based): chr6:43,052,668, G>A on the plus strand (C>T on the coding strand, the complement: CUL7 is on the minus strand). VCF-style: chr6-43052668-G-A. GRCh37 (hg19) VCF-style: chr6-43020406-G-A.
Other names: c.121C>T, p.Arg41Cys (NM_001168370.2, NM_001374872.1, NM_001374873.1 and 1 more transcripts); c.121C>T (NM_014780.4); short protein forms R41C.
Identifiers: ClinVar variation 1976366 (VCV001976366.6), dbSNP rs1351920968, ClinGen allele CA364230759.

ClinVar aggregate classification (germline): Uncertain significance. Review status: criteria provided, multiple submitters, no conflicts (2 of 4 stars). 2 submissions from 2 submitters: Uncertain significance (2). Last evaluated 2023-11-17.

Conditions:
Inborn genetic diseases. Identifiers: MedGen C0950123, MeSH D030342.

Allele frequency attached by ClinVar (database versions not stated): gnomAD exomes 0.00001; TOPMed 0.00002; gnomAD 0.00003.
gnomAD v4.1: 13 of 1,614,038 alleles (0.00081%); highest among the groups gnomAD compares: East Asian, 0.013%; no homozygotes.

Submissions (2):

Ambry Genetics
Classification: Uncertain significance for Inborn genetic diseases. Last evaluated: 2023-11-17. Review status: criteria provided, single submitter. Criteria: Ambry Variant Classification Scheme 2023. Collection method: clinical testing. Allele origin: germline.

Labcorp Genetics (formerly Invitae), Labcorp
Classification: Uncertain significance. Last evaluated: 2022-05-25. Review status: criteria provided, single submitter. Criteria: Invitae Variant Classification Sherloc (09022015). Collection method: clinical testing. Allele origin: germline.
Comment: This sequence change replaces arginine, which is basic and polar, with cysteine, which is neutral and slightly polar, at codon 41 of the CUL7 protein (p.Arg41Cys). In summary, the available evidence is currently insufficient to determine the role of this variant in disease. Therefore, it has been classified as a Variant of Uncertain Significance. Algorithms developed to predict the effect of missense changes on protein structure and function are either unavailable or do not agree on the potential impact of this missense change (SIFT: "Deleterious"; PolyPhen-2: "Probably Damaging"; Align-GVGD: "Class C0"). This variant has not been reported in the literature in individuals affected with CUL7-related conditions. This variant is present in population databases (no rsID available, gnomAD 0.03%).